The following is an entry in ClinVar:

ClinVar aggregate classification (germline): Uncertain significance (1 of 4 stars; one submission).

Conditions:
Hyperphosphatasia with impaired intellectual development syndrome 2. Also called: Hyperphosphatasia with intellectual disability syndrome 2; GLYCOSYLPHOSPHATIDYLINOSITOL BIOSYNTHESIS DEFECT 6. Identifiers: Orphanet 247262, MedGen C3553637, MONDO:0013882, OMIM 614749.

Submission:

Labcorp Genetics (formerly Invitae), Labcorp
Classification: Uncertain significance for Hyperphosphatasia with impaired intellectual development syndrome 2. Last evaluated: 2023-06-19. Review status: criteria provided, single submitter. Criteria: Invitae Variant Classification Sherloc (09022015). Collection method: clinical testing. Allele origin: germline.
Comment: ClinVar contains an entry for this variant (Variation ID: 1008699). In summary, the available evidence is currently insufficient to determine the role of this variant in disease. Therefore, it has been classified as a Variant of Uncertain Significance. Advanced modeling of protein sequence and biophysical properties (such as structural, functional, and spatial information, amino acid conservation, physicochemical variation, residue mobility, and thermodynamic stability) performed at Invitae indicates that this missense variant is not expected to disrupt PIGO protein function. This variant has not been reported in the literature in individuals affected with PIGO-related conditions. This variant is not present in population databases (gnomAD no frequency). This sequence change replaces methionine, which is neutral and non-polar, with threonine, which is neutral and polar, at codon 898 of the PIGO protein (p.Met898Thr).

NM_032634.4(PIGO):c.2693T>C (p.Met898Thr)

Gene: PIGO (phosphatidylinositol glycan anchor biosynthesis class O; minus strand). Cytogenetic location: 9p13.3.
Variant type: single nucleotide variant.
Coding change: c.2693T>C on transcript NM_032634.4 (MANE Select); coding-DNA position 2693, T replaced by C.
Protein change: p.Met898Thr; replaces methionine 898 with threonine.
Molecular consequence: missense variant.
Genome position (GRCh38, 1-based): chr9:35,090,627, A>G on the plus strand (T>C on the coding strand, the complement: PIGO is on the minus strand). VCF-style: chr9-35090627-A-G. GRCh37 (hg19) VCF-style: chr9-35090624-A-G.
Other names: c.1442T>C, p.Met481Thr (NM_001201484.2, NM_152850.4); short protein forms M481T, M898T.
Identifiers: ClinVar variation 1008699 (VCV001008699.6), dbSNP rs1829374920, ClinGen allele CA373318378.
Genomic context (GRCh38, chr9:35,090,627, plus strand): 5'-TGCCAATGGATGGCTGGAAAGACAGGCTGGTGGCCTGTGGAGTAGAAGGTCTGTGTGGCC[A>G]TGAGGGCCCAAGCCGAGACTGCCTGCCATGGCACAGTAAAAGGACCTGGAAGAAAAGATA-3'
Protein context (NP_116023.2, residues 888-908): PWQAVSAWAL[Met898Thr]ATQTFYSTGH